The following is an entry in ClinVar:

ClinVar aggregate classification (germline): Pathogenic. Review status: criteria provided, multiple submitters, no conflicts (2 of 4 stars). 3 submissions from 3 submitters: Pathogenic (3). Last evaluated 2022-11-06.

Conditions:
Neurodegeneration with brain iron accumulation 5 (NBIA5). Also called: STATIC ENCEPHALOPATHY OF CHILDHOOD WITH NEURODEGENERATION IN ADULTHOOD; Beta-propeller protein-associated neurodegeneration. Identifiers: Orphanet 329284, MedGen C3550973, MONDO:0010476, OMIM 300894.

Submissions (3):

Labcorp Genetics (formerly Invitae), Labcorp
Classification: Pathogenic for Neurodegeneration with brain iron accumulation 5. Last evaluated: 2022-11-06. Review status: criteria provided, single submitter. Criteria: Invitae Variant Classification Sherloc (09022015). Collection method: clinical testing. Allele origin: germline.
Comment: For these reasons, this variant has been classified as Pathogenic. Algorithms developed to predict the effect of sequence changes on RNA splicing suggest that this variant may disrupt the consensus splice site. ClinVar contains an entry for this variant (Variation ID: 871503). Disruption of this splice site has been observed in individual(s) with neurodegeneration with brain iron accumulation (NBIA) (PMID: 23176820). In at least one individual the variant was observed to be de novo. This variant is not present in population databases (gnomAD no frequency). This sequence change affects a donor splice site in intron 5 of the WDR45 gene. It is expected to disrupt RNA splicing. Variants that disrupt the donor or acceptor splice site typically lead to a loss of protein function (PMID: 16199547), and loss-of-function variants in WDR45 are known to be pathogenic (PMID: 23176820, 24368176, 24621584, 25744623, 26790960, 27030146, 27652284, 28554332).

Genomic Medicine Lab, University of California San Francisco
Classification: Pathogenic for Neurodegeneration with brain iron accumulation 5. Last evaluated: 2020-08-27. Review status: criteria provided, single submitter. Criteria: ACMG Guidelines, 2015. Collection method: clinical testing. Allele origin: de novo. Inheritance: Autosomal dominant inheritance. Affected: yes. Study: CSER-P3EGS.

CeGaT Center for Human Genetics Tuebingen
Classification: Pathogenic. Last evaluated: 2017-06-01. Review status: criteria provided, single submitter. Criteria: CeGaT Center For Human Genetics Tuebingen Variant Classification Criteria Version 2. Collection method: clinical testing. Allele origin: germline. Affected: yes. Observed: 1 variant allele.

Literature cited by the submitters: PubMed 23176820 (cited by Labcorp Genetics (formerly Invitae), Labcorp); PubMed 16199547 (cited by Labcorp Genetics (formerly Invitae), Labcorp); PubMed 24368176 (cited by Labcorp Genetics (formerly Invitae), Labcorp); PubMed 24621584 (cited by Labcorp Genetics (formerly Invitae), Labcorp); PubMed 25744623 (cited by Labcorp Genetics (formerly Invitae), Labcorp); PubMed 26790960 (cited by Labcorp Genetics (formerly Invitae), Labcorp); PubMed 27030146 (cited by Labcorp Genetics (formerly Invitae), Labcorp); PubMed 27652284 (cited by Labcorp Genetics (formerly Invitae), Labcorp); PubMed 28554332 (cited by Labcorp Genetics (formerly Invitae), Labcorp).

NM_001029896.2(WDR45):c.235+1G>A

Genes: WDR45 (WD repeat domain 45; minus strand), LOC126863256 (BRD4-independent group 4 enhancer GRCh37_chrX:48934848-48936047; plus strand). Cytogenetic location: Xp11.23.
Variant type: single nucleotide variant.
Coding change: c.235+1G>A on transcript NM_001029896.2 (MANE Select); the canonical splice donor site of the intron after coding-DNA position 235, G replaced by A.
Molecular consequence: splice donor variant.
Genome position (GRCh38, 1-based): chrX:49,077,642, C>T on the plus strand (G>A on the coding strand, the complement: WDR45 is on the minus strand). VCF-style: chrX-49077642-C-T. GRCh37 (hg19) VCF-style: chrX-48935301-C-T.
Other names: c.235+1G>A (NM_007075.4).
Identifiers: ClinVar variation 871503 (VCV000871503.50), dbSNP rs2065045269, ClinGen allele CA412949000.